The following is an entry in ClinVar:

NM_014989.7(RIMS1):c.4236C>T (p.Asp1412=)

Gene: RIMS1 (regulating synaptic membrane exocytosis 1; plus strand). Cytogenetic location: 6q13.
Variant type: single nucleotide variant.
Coding change: c.4236C>T on transcript NM_014989.7 (MANE Select); coding-DNA position 4236, C replaced by T.
Protein change: p.Asp1412=; no amino-acid change (aspartic acid 1412 retained).
Molecular consequence: synonymous variant. On other transcripts: intron variant (24).
Genome position (GRCh38, 1-based): chr6:72,333,705, C>T. VCF-style: chr6-72333705-C-T. GRCh37 (hg19) VCF-style: chr6-73043408-C-T.
Other names: c.2196C>T, p.Asp732= (NM_001168407.2); c.2157C>T, p.Asp719= (NM_001350414.2); c.2253C>T, p.Asp751= (NM_001350415.2); c.2202C>T, p.Asp734= (NM_001350416.2); c.2175C>T, p.Asp725= (NM_001350418.2); c.2310C>T, p.Asp770= (NM_001350420.2); c.2055C>T, p.Asp685= (NM_001350421.2); c.1944C>T, p.Asp648= (NM_001350423.2); and 53 more.
Identifiers: ClinVar variation 1536489 (VCV001536489.31), dbSNP rs1025135186, ClinGen allele CA140893861.

ClinVar aggregate classification (germline): Likely benign. Review status: criteria provided, multiple submitters, no conflicts (2 of 4 stars). 2 submissions from 2 submitters: Likely benign (2). Last evaluated 2023-04-06.

Allele frequency attached by ClinVar (database versions not stated): gnomAD exomes 0.00001; TOPMed 0.00001; gnomAD 0.00003.
gnomAD v4.1: 22 of 1,594,934 alleles (0.0014%); highest among the groups gnomAD compares: South Asian, 0.0034%; no homozygotes.

Submissions (2):

Labcorp Genetics (formerly Invitae), Labcorp
Classification: Likely benign. Last evaluated: 2023-04-06. Review status: criteria provided, single submitter. Criteria: Invitae Variant Classification Sherloc (09022015). Collection method: clinical testing. Allele origin: germline.

CeGaT Center for Human Genetics Tuebingen
Classification: Likely benign. Last evaluated: 2022-03-01. Review status: criteria provided, single submitter. Criteria: CeGaT Center For Human Genetics Tuebingen Variant Classification Criteria Version 2. Collection method: clinical testing. Allele origin: germline. Affected: yes. Observed: 1 variant allele.
Comment: RIMS1: BP4, BP7